The following is an entry in ClinVar:

ClinVar aggregate classification (germline): Conflicting classifications of pathogenicity. Review status: criteria provided, conflicting classifications (1 of 4 stars). 5 submissions from 5 submitters: Uncertain significance (4); Likely benign (1). Last evaluated 2026-06-17.

Conditions:
TTC21B-related disorder. Also called: TTC21B-related condition; TTC21B-related disorders.
Nephronophthisis. Also called: Juvenile Nephronophthisis. Identifiers: Orphanet 655, MedGen C0687120, MONDO:0019005, HP:0000090.
Jeune thoracic dystrophy. Also called: Short-rib thoracic dysplasia; Jeune syndrome; Infantile thoracic dystrophy; Thoracic pelvic phalangeal dystrophy; Jeune's syndrome; Chondroectodermal dysplasia-like syndrome. Identifiers: Orphanet 474, MedGen C0265275, MONDO:0018770.
Nephronophthisis 12 (NPHP12). Identifiers: Orphanet 655, MedGen C3151186, MONDO:0013442, OMIM 613820.
Asphyxiating thoracic dystrophy 4 (SRTD4). Also called: SHORT-RIB THORACIC DYSPLASIA 4 WITH OR WITHOUT POLYDACTYLY; SHORT-RIB THORACIC DYSPLASIA 4. Identifiers: Orphanet 474, MedGen C3151185, MONDO:0013441, OMIM 613819.

Submissions (5):

PreventionGenetics, part of Exact Sciences
Classification: Uncertain significance for TTC21B-related condition. Last evaluated: 2026-06-17. Review status: criteria provided, single submitter. Criteria: ACMG Guidelines, 2015. Collection method: clinical testing. Allele origin: germline.
Comment: The TTC21B c.2777_2791del15 variant is predicted to result in an in-frame deletion (p.Arg926_Ala930del). To our knowledge, this variant has not been reported in the literature. This variant is reported in 0.12% of alleles in individuals of African descent in gnomAD, which may be too common to be a primary cause of disease. Although we suspect that this variant may be benign, at this time, the clinical significance of this variant is uncertain due to the absence of conclusive functional and genetic evidence.

GeneDx
Classification: Uncertain significance. Last evaluated: 2025-01-13. Review status: criteria provided, single submitter. Criteria: GeneDx Variant Classification Process June 2021. Collection method: clinical testing. Allele origin: germline. Affected: yes.
Comment: In-frame deletion of 5 amino acids in a non-repeat region; In silico analysis supports a deleterious effect on protein structure/function; Has not been previously published as pathogenic or benign to our knowledge

Blueprint Genetics
Classification: Likely benign. Last evaluated: 2024-05-14. Review status: criteria provided, single submitter. Criteria: ACMG Guidelines, 2015. Collection method: clinical testing. Allele origin: germline.

Fulgent Genetics
Classification: Uncertain significance for Asphyxiating thoracic dystrophy 4; Nephronophthisis 12. Last evaluated: 2024-03-13. Review status: criteria provided, single submitter. Criteria: ACMG Guidelines, 2015. Collection method: clinical testing. Allele origin: germline.

Labcorp Genetics (formerly Invitae), Labcorp
Classification: Uncertain significance for Jeune thoracic dystrophy; Nephronophthisis. Last evaluated: 2024-01-22. Review status: criteria provided, single submitter. Criteria: Invitae Variant Classification Sherloc (09022015). Collection method: clinical testing. Allele origin: germline.
Comment: This variant, c.2777_2791del, results in the deletion of 5 amino acid(s) of the TTC21B protein (p.Arg926_Ala930del), but otherwise preserves the integrity of the reading frame. This variant is present in population databases (rs757389950, gnomAD 0.1%). This variant has not been reported in the literature in individuals affected with TTC21B-related conditions. ClinVar contains an entry for this variant (Variation ID: 421970). Experimental studies and prediction algorithms are not available or were not evaluated, and the functional significance of this variant is currently unknown. In summary, the available evidence is currently insufficient to determine the role of this variant in disease. Therefore, it has been classified as a Variant of Uncertain Significance.

NM_024753.5(TTC21B):c.2777_2791del (p.Arg926_Ala930del)

Gene: TTC21B (tetratricopeptide repeat domain 21B; minus strand). Cytogenetic location: 2q24.3.
Variant type: Deletion.
Coding change: c.2777_2791del on transcript NM_024753.5 (MANE Select); coding-DNA positions 2777 to 2791, 15 bases deleted (GATTATACCTGGCAC).
Protein change: p.Arg926_Ala930del.
Molecular consequence: inframe deletion.
Genome position (GRCh38, 1-based): chr2:165,899,847-165,899,861, GTGCCAGGTATAATC deleted on the plus strand (GATTATACCTGGCAC on the coding strand, the reverse complement: TTC21B is on the minus strand); deleting any 15 consecutive bases within chr2:165,899,847-165,899,868 gives the same sequence; the c. name uses the placement nearest the transcript's 3' end. VCF-style (leftmost placement, unchanged base first): chr2-165899846-TGTGCCAGGTATAATC-T. GRCh37 (hg19) VCF-style: chr2-166756356-TGTGCCAGGTATAATC-T.
Other names: c.2777_2791del (NM_024753.4); c.2777_2791delGATTATACCTGGCAC (NM_024753.4); c.2777_2791del15 (NM_024753.4).
Identifiers: ClinVar variation 421970 (VCV000421970.11), dbSNP rs757389950, ClinGen allele CA1941697.